The following is an entry in ClinVar:

NM_006383.4(CIB2):c.483C>T (p.Asp161=)

Gene: CIB2 (calcium and integrin binding family member 2; minus strand). Cytogenetic location: 15q25.1.
Variant type: single nucleotide variant.
Coding change: c.483C>T on transcript NM_006383.4 (MANE Select); coding-DNA position 483, C replaced by T.
Protein change: p.Asp161=; no amino-acid change (aspartic acid 161 retained).
Molecular consequence: synonymous variant. On other transcripts: non-coding transcript variant (1).
Genome position (GRCh38, 1-based): chr15:78,105,798, G>A on the plus strand (C>T on the coding strand, the complement: CIB2 is on the minus strand). VCF-style: chr15-78105798-G-A. GRCh37 (hg19) VCF-style: chr15-78398140-G-A.
Other names: c.336C>T, p.Asp112= (NM_001271889.2); c.498C>T, p.Asp166= (NM_001301224.2); c.354C>T, p.Asp118= (NM_001271888.2).
Identifiers: ClinVar variation 1130639 (VCV001130639.18), dbSNP rs199794998, ClinGen allele CA7680160.
Genomic context (GRCh38, chr15:78,105,798, plus strand): 5'-CCTGAGGAAGTCAGGGGCCTTGGCAATCATGTCCTCGAAGTCAGCAAAGCCCAGCTTGCC[G>A]TCACCGTCCAAGTCAGCCTCCTCAATGACCTTGTCGCACACAAGCACCACCTCCTCCTCA-3'
Protein context (NP_006374.1, residues 151-171): KVIEEADLDG[Asp161=]GKLGFADFED

ClinVar aggregate classification (germline): Likely benign. Review status: criteria provided, multiple submitters, no conflicts (2 of 4 stars). 3 submissions from 3 submitters: Likely benign (3). Last evaluated 2025-09-01.

Allele frequency attached by ClinVar (database versions not stated): gnomAD 0.00008 and 0.00009; TOPMed 0.00011; ExAC 0.00012; gnomAD exomes 0.00014 and 0.00016; 1000 Genomes Project 0.00020; 1000 Genomes Project 30x 0.00031.
gnomAD v4.1: 251 of 1,614,204 alleles (0.016%); highest among the groups gnomAD compares: Non-Finnish European, 0.018%; no homozygotes.

Submissions (3):

CeGaT Center for Human Genetics Tuebingen
Classification: Likely benign. Last evaluated: 2025-09-01. Review status: criteria provided, single submitter. Criteria: CeGaT Center For Human Genetics Tuebingen Variant Classification Criteria Version 2. Collection method: clinical testing. Allele origin: germline. Affected: yes. Observed: 1 variant allele.
Comment: CIB2: BP4, BP7

Labcorp Genetics (formerly Invitae), Labcorp
Classification: Likely benign. Last evaluated: 2025-03-17. Review status: criteria provided, single submitter. Criteria: Invitae Variant Classification Sherloc (09022015). Collection method: clinical testing. Allele origin: germline.

Blueprint Genetics
Classification: Likely benign. Last evaluated: 2024-11-26. Review status: criteria provided, single submitter. Criteria: ACMG Guidelines, 2015. Collection method: clinical testing. Allele origin: germline.